The following is an entry in ClinVar:

ClinVar aggregate classification (germline): Uncertain significance. Review status: criteria provided, multiple submitters, no conflicts (2 of 4 stars). 2 submissions from 2 submitters: Uncertain significance (2). Last evaluated 2025-10-14.

Conditions:
Inborn genetic diseases. Identifiers: MedGen C0950123, MeSH D030342.

Allele frequency attached by ClinVar (database versions not stated): gnomAD 0.00002; ExAC 0.00002; TOPMed 0.00006; gnomAD exomes 0.00010.
gnomAD v4.1: 143 of 1,609,488 alleles (0.0089%); highest among the groups gnomAD compares: Non-Finnish European, 0.011%; no homozygotes.

Submissions (2):

Ambry Genetics
Classification: Uncertain significance for Inborn genetic diseases. Last evaluated: 2025-10-14. Review status: criteria provided, single submitter. Criteria: Ambry Variant Classification Scheme 2023. Collection method: clinical testing. Allele origin: germline.

GeneDx
Classification: Uncertain significance. Last evaluated: 2025-05-21. Review status: criteria provided, single submitter. Criteria: GeneDx Variant Classification Process June 2021. Collection method: clinical testing. Allele origin: germline. Affected: yes.
Comment: In silico analysis supports that this missense variant has a deleterious effect on protein structure/function; Has not been previously published as pathogenic or benign to our knowledge

NM_006618.5(KDM5B):c.841C>T (p.Pro281Ser)

Gene: KDM5B (lysine demethylase 5B; minus strand). Cytogenetic location: 1q32.1.
Variant type: single nucleotide variant.
Coding change: c.841C>T on transcript NM_006618.5 (MANE Select); coding-DNA position 841, C replaced by T.
Protein change: p.Pro281Ser; replaces proline 281 with serine.
Molecular consequence: missense variant.
Genome position (GRCh38, 1-based): chr1:202,762,776, G>A on the plus strand (C>T on the coding strand, the complement: KDM5B is on the minus strand). VCF-style: chr1-202762776-G-A. GRCh37 (hg19) VCF-style: chr1-202731904-G-A.
Other names: c.949C>T, p.Pro317Ser (NM_001314042.2); c.706C>T, p.Pro236Ser (NM_001347591.2); c.826C>T, p.Pro276Ser (NM_001399817.1); short protein forms P236S, P317S, P281S, P276S.
Identifiers: ClinVar variation 2514662 (VCV002514662.4), dbSNP rs767569381, ClinGen allele CA1334860.